The following is an entry in ClinVar:

NM_001204.7(BMPR2):c.2480A>G (p.Asn827Ser)

Gene: BMPR2 (bone morphogenetic protein receptor type 2; plus strand). Cytogenetic location: 2q33.2.
Variant type: single nucleotide variant.
Coding change: c.2480A>G on transcript NM_001204.7 (MANE Select); coding-DNA position 2480, A replaced by G.
Protein change: p.Asn827Ser; replaces asparagine 827 with serine.
Molecular consequence: missense variant.
Genome position (GRCh38, 1-based): chr2:202,556,145, A>G. VCF-style: chr2-202556145-A-G. GRCh37 (hg19) VCF-style: chr2-203420868-A-G.
Other names: short protein forms N827S.
Identifiers: ClinVar variation 2305013 (VCV002305013.3), dbSNP rs1026272520, ClinGen allele CA64043832.

ClinVar aggregate classification (germline): Uncertain significance (1 of 4 stars; one submission).

Conditions:
Inborn genetic diseases. Identifiers: MedGen C0950123, MeSH D030342.

Allele frequency attached by ClinVar (database versions not stated): TOPMed below 0.00001; gnomAD 0.00001.
gnomAD v4.1: 1 of 1,613,888 alleles (0.000062%); highest among the groups gnomAD compares: Non-Finnish European, 0.000085%; no homozygotes.

Submission:

Ambry Genetics
Classification: Uncertain significance for Inborn genetic diseases. Last evaluated: 2024-12-15. Review status: criteria provided, single submitter. Criteria: Ambry Variant Classification Scheme 2023. Collection method: clinical testing. Allele origin: germline.
Comment: The p.N827S variant (also known as c.2480A>G), located in coding exon 12 of the BMPR2 gene, results from an A to G substitution at nucleotide position 2480. The asparagine at codon 827 is replaced by serine, an amino acid with highly similar properties. This amino acid position is conserved. In addition, this alteration is predicted to be tolerated by in silico analysis. Based on the available evidence, the clinical significance of this variant remains unclear.